The following is an entry in ClinVar:

NM_178857.6(RP1L1):c.1297C>T (p.Arg433Cys)

Gene: RP1L1 (RP1 like 1). Cytogenetic location: 8p23.1.
Variant type: single nucleotide variant.
Coding change: c.1297C>T on transcript NM_178857.6 (MANE Select); coding-DNA position 1297, C replaced by T.
Protein change: p.Arg433Cys; replaces arginine 433 with cysteine.
Molecular consequence: missense variant.
Genome position (GRCh38, 1-based): chr8:10,612,801, G>A on the plus strand (C>T on the coding strand, the complement: RP1L1 is on the minus strand). VCF-style: chr8-10612801-G-A. GRCh37 (hg19) VCF-style: chr8-10470311-G-A.
Other names: short protein forms R433C.
Identifiers: ClinVar variation 361379 (VCV000361379.32), dbSNP rs199589914, ClinGen allele CA4625234.

ClinVar aggregate classification (germline): Conflicting classifications of pathogenicity. Review status: criteria provided, conflicting classifications (1 of 4 stars). 5 submissions from 5 submitters: Uncertain significance (1); Benign (2); Likely benign (2). Last evaluated 2024-11-27.

Conditions:
Occult macular dystrophy (OCMD). Also called: OMD; OCCULT MACULAR DYSTROPHY, SUSCEPTIBILITY TO. Identifiers: Orphanet 247834, MedGen C3150833, MONDO:0013316, OMIM 613587, HP:0030636.

Allele frequency attached by ClinVar (database versions not stated): gnomAD exomes 0.00034 and 0.00072; ExAC 0.00066; 1000 Genomes Project 0.00140; TOPMed 0.00155; gnomAD 0.00158 and 0.00168; ESP Exome Variant Server 0.00171; 1000 Genomes Project 30x 0.00172.

Submissions (5):

Blueprint Genetics
Classification: Likely benign. Last evaluated: 2024-11-27. Review status: criteria provided, single submitter. Criteria: ACMG Guidelines, 2015. Collection method: clinical testing. Allele origin: germline.

GeneDx
Classification: Uncertain significance. Last evaluated: 2024-03-10. Review status: criteria provided, single submitter. Criteria: GeneDx Variant Classification Process June 2021. Collection method: clinical testing. Allele origin: germline. Affected: yes.
Comment: Has not been previously published as pathogenic or benign to our knowledge; In silico analysis supports that this missense variant does not alter protein structure/function

CeGaT Center for Human Genetics Tuebingen
Classification: Likely benign. Last evaluated: 2023-07-01. Review status: criteria provided, single submitter. Criteria: CeGaT Center For Human Genetics Tuebingen Variant Classification Criteria Version 2. Collection method: clinical testing. Allele origin: germline. Affected: yes. Observed: 1 variant allele.
Comment: RP1L1: BP4, BS2

Illumina Laboratory Services, Illumina
Classification: Benign for Occult macular dystrophy. Last evaluated: 2018-01-12. Review status: criteria provided, single submitter. Criteria: ICSL Variant Classification Criteria 13 December 2019. Collection method: clinical testing. Allele origin: germline.
Comment: This variant was observed in the ICSL laboratory as part of a predisposition screen in an ostensibly healthy population. It had not been previously curated by ICSL or reported in the Human Gene Mutation Database (HGMD: prior to June 1st, 2018), and was therefore a candidate for classification through an automated scoring system. Utilizing variant allele frequency, disease prevalence and penetrance estimates, and inheritance mode, an automated score was calculated to assess if this variant is too frequent to cause the disease. Based on the score and internal cut-off values, a variant classified as benign is not then subjected to further curation. The score for this variant resulted in a classification of benign for this disease.

Breakthrough Genomics
Classification: Benign. Review status: criteria provided, single submitter. Criteria: ACMG Guidelines, 2015. Collection method: not provided. Allele origin: germline. Inheritance: Autosomal recessive inheritance. Affected: yes.